The following is an entry in ClinVar:

NM_000179.3(MSH6):c.2779A>T (p.Ile927Phe)

Gene: MSH6 (mutS homolog 6; plus strand). Cytogenetic location: 2p16.3.
Variant type: single nucleotide variant.
Coding change: c.2779A>T on transcript NM_000179.3 (MANE Select); coding-DNA position 2779, A replaced by T.
Protein change: p.Ile927Phe; replaces isoleucine 927 with phenylalanine.
Molecular consequence: missense variant.
Genome position (GRCh38, 1-based): chr2:47,800,762, A>T. VCF-style: chr2-47800762-A-T. GRCh37 (hg19) VCF-style: chr2-48027901-A-T.
Other names: c.2389A>T, p.Ile797Phe (NM_001281492.2); c.1873A>T, p.Ile625Phe (NM_001281493.2, NM_001281494.2); short protein forms I927F, I625F, I797F.
Identifiers: ClinVar variation 1436617 (VCV001436617.8), dbSNP rs2104423709, ClinGen allele CA346755474.

ClinVar aggregate classification (germline): Uncertain significance (1 of 4 stars; one submission).

Conditions:
Hereditary nonpolyposis colorectal neoplasms. Identifiers: MedGen C0009405, MeSH D003123.

Submission:

Labcorp Genetics (formerly Invitae), Labcorp
Classification: Uncertain significance for Hereditary nonpolyposis colorectal neoplasms. Last evaluated: 2025-05-05. Review status: criteria provided, single submitter. Criteria: Invitae Variant Classification Sherloc (09022015). Collection method: clinical testing. Allele origin: germline.
Comment: This sequence change replaces isoleucine, which is neutral and non-polar, with phenylalanine, which is neutral and non-polar, at codon 927 of the MSH6 protein (p.Ile927Phe). This variant is not present in population databases (gnomAD no frequency). This variant has not been reported in the literature in individuals affected with MSH6-related conditions. ClinVar contains an entry for this variant (Variation ID: 1436617). Invitae Evidence Modeling of protein sequence and biophysical properties (such as structural, functional, and spatial information, amino acid conservation, physicochemical variation, residue mobility, and thermodynamic stability) indicates that this missense variant is not expected to disrupt MSH6 protein function with a negative predictive value of 95%. In summary, the available evidence is currently insufficient to determine the role of this variant in disease. Therefore, it has been classified as a Variant of Uncertain Significance.